The following is an entry in ClinVar:

NM_015072.5(TTLL5):c.1766A>G (p.Glu589Gly)

Gene: TTLL5 (tubulin tyrosine ligase like 5; plus strand). Cytogenetic location: 14q24.3.
Variant type: single nucleotide variant.
Coding change: c.1766A>G on transcript NM_015072.5 (MANE Select); coding-DNA position 1766, A replaced by G.
Protein change: p.Glu589Gly; replaces glutamic acid 589 with glycine.
Molecular consequence: missense variant.
Genome position (GRCh38, 1-based): chr14:75,766,119, A>G. VCF-style: chr14-75766119-A-G. GRCh37 (hg19) VCF-style: chr14-76232462-A-G.
Other names: short protein forms E589G.
Identifiers: ClinVar variation 1715663 (VCV001715663.5), dbSNP rs2503242110, ClinGen allele CA390466838.

ClinVar aggregate classification (germline): Uncertain significance (1 of 4 stars; one submission).

Submission:

Labcorp Genetics (formerly Invitae), Labcorp
Classification: Uncertain significance. Last evaluated: 2022-08-08. Review status: criteria provided, single submitter. Criteria: Invitae Variant Classification Sherloc (09022015). Collection method: clinical testing. Allele origin: germline.
Comment: In summary, the available evidence is currently insufficient to determine the role of this variant in disease. Therefore, it has been classified as a Variant of Uncertain Significance. Algorithms developed to predict the effect of missense changes on protein structure and function (SIFT, PolyPhen-2, Align-GVGD) all suggest that this variant is likely to be tolerated. This variant has not been reported in the literature in individuals affected with TTLL5-related conditions. This variant is not present in population databases (gnomAD no frequency). This sequence change replaces glutamic acid, which is acidic and polar, with glycine, which is neutral and non-polar, at codon 589 of the TTLL5 protein (p.Glu589Gly).